The following is an entry in ClinVar:

ClinVar aggregate classification (germline): Likely benign. Review status: criteria provided, multiple submitters, no conflicts (2 of 4 stars). 12 submissions from 9 submitters: Likely benign (11). 1 of the submissions does not count toward it. Last evaluated 2026-01-26.

Conditions:
CACNA1S-related disorder. Also called: CACNA1S-related condition.
Congenital myopathy 18. Also called: Myopathy, congenital, due to dihydropyridine receptor defect; DIHYDROPYRIDINE RECEPTOR CONGENITAL MYOPATHY; DHPR CONGENITAL MYOPATHY. Identifiers: MedGen C5830283, MONDO:0859514, OMIM 620246.
Thyrotoxic periodic paralysis, susceptibility to, 1 (TTPP1). Identifiers: Orphanet 79102, MedGen C2749982, MONDO:0008570, OMIM 188580.
Malignant hyperthermia, susceptibility to, 5 (MHS5). Also called: CACNA1S-Related Malignant Hyperthermia Susceptibility. Identifiers: Orphanet 423, MedGen C1866077, MONDO:0011163, OMIM 601887.
Hypokalemic periodic paralysis, type 1. Also called: HypoPP; Hypokalemic Periodic Paralysis Type 1 (AD). Identifiers: Orphanet 681, MedGen C3714580, MONDO:0042979, OMIM 170400.

Allele frequency attached by ClinVar (database versions not stated): gnomAD exomes 0.00011 and 0.00004; TOPMed 0.00006; ESP Exome Variant Server 0.00008; gnomAD 0.00008 and 0.00009; ExAC 0.00010.
gnomAD v4.1: 78 of 1,613,642 alleles (0.0048%); highest among the groups gnomAD compares: Middle Eastern, 0.033%; no homozygotes.

Submissions (12):

Labcorp Genetics (formerly Invitae), Labcorp
Classification: Likely benign for Hypokalemic periodic paralysis, type 1; Malignant hyperthermia, susceptibility to, 5. Last evaluated: 2026-01-26. Review status: criteria provided, single submitter. Criteria: Invitae Variant Classification Sherloc (09022015). Collection method: clinical testing. Allele origin: germline.

Mayo Clinic Laboratories, Mayo Clinic
Classification: Likely benign. Last evaluated: 2025-10-03. Review status: criteria provided, single submitter. Criteria: ACMG Guidelines, 2015. Collection method: clinical testing. Allele origin: germline. Observed: 1 variant allele.
Comment: BP4, BP7

CeGaT Center for Human Genetics Tuebingen
Classification: Likely benign. Last evaluated: 2025-09-01. Review status: criteria provided, single submitter. Criteria: CeGaT Center For Human Genetics Tuebingen Variant Classification Criteria Version 2. Collection method: clinical testing. Allele origin: germline. Affected: yes. Observed: 2 variant alleles.
Comment: CACNA1S: BP4

Blueprint Genetics
Classification: Likely benign. Last evaluated: 2024-10-17. Review status: criteria provided, single submitter. Criteria: ACMG Guidelines, 2015. Collection method: clinical testing. Allele origin: germline.

All of Us Research Program, National Institutes of Health
Classification: Likely benign for Malignant hyperthermia, susceptibility to, 5. Last evaluated: 2024-05-14. Review status: criteria provided, single submitter. Criteria: ACMG Guidelines, 2015. Collection method: clinical testing. Allele origin: germline. Inheritance: Autosomal dominant inheritance. Observed: 17 variant alleles, 17 heterozygotes.
Comment: This study involves interpretation of variants in research participants for the purpose of population health screening. Participant phenotype was not available at the time of variant classification. Additional details can be found in publication PMID: 35346344, PMCID: PMC8962531

Color Diagnostics, LLC DBA Color Health
Classification: Likely benign for Malignant hyperthermia, susceptibility to, 5. Last evaluated: 2023-11-15. Review status: criteria provided, single submitter. Criteria: ACMG Guidelines, 2015. Collection method: clinical testing. Allele origin: germline.

Genome-Nilou Lab
Classification: Likely benign for Malignant hyperthermia, susceptibility to, 5. Last evaluated: 2023-04-11. Review status: criteria provided, single submitter. Criteria: ACMG Guidelines, 2015. Collection method: clinical testing. Allele origin: germline. Affected: no.

Genome-Nilou Lab
Classification: Likely benign for Thyrotoxic periodic paralysis, susceptibility to, 1. Last evaluated: 2023-04-11. Review status: criteria provided, single submitter. Criteria: ACMG Guidelines, 2015. Collection method: clinical testing. Allele origin: germline. Affected: no.

Genome-Nilou Lab
Classification: Likely benign for Congenital myopathy 18. Last evaluated: 2023-04-11. Review status: criteria provided, single submitter. Criteria: ACMG Guidelines, 2015. Collection method: clinical testing. Allele origin: germline. Affected: no.

Genome-Nilou Lab
Classification: Likely benign for Hypokalemic periodic paralysis, type 1. Last evaluated: 2023-04-11. Review status: criteria provided, single submitter. Criteria: ACMG Guidelines, 2015. Collection method: clinical testing. Allele origin: germline. Affected: no.

Illumina Laboratory Services, Illumina
Classification: Likely benign for Hypokalemic periodic paralysis, type 1. Last evaluated: 2018-01-13. Review status: criteria provided, single submitter. Criteria: ICSL Variant Classification Criteria 13 December 2019. Collection method: clinical testing. Allele origin: germline.
Comment: This variant was observed in the ICSL laboratory as part of a predisposition screen in an ostensibly healthy population. It had not been previously curated by ICSL or reported in the Human Gene Mutation Database (HGMD: prior to June 1st, 2018), and was therefore a candidate for classification through an automated scoring system. Utilizing variant allele frequency, disease prevalence and penetrance estimates, and inheritance mode, an automated score was calculated to assess if this variant is too frequent to cause the disease. Based on the score and internal cut-off values, a variant classified as likely benign is not then subjected to further curation. The score for this variant resulted in a classification of likely benign for this disease.

PreventionGenetics, part of Exact Sciences
Classification: Likely benign for CACNA1S-related condition. Last evaluated: 2024-02-20. Review status: no assertion criteria provided. Collection method: clinical testing. Allele origin: germline. Not counted in ClinVar's aggregate classification.
Comment: This variant is classified as likely benign based on ACMG/AMP sequence variant interpretation guidelines (Richards et al. 2015 PMID: 25741868, with internal and published modifications).

NM_000069.3(CACNA1S):c.3657C>T (p.Cys1219=)

Gene: CACNA1S (calcium voltage-gated channel subunit alpha1 S; minus strand). Cytogenetic location: 1q32.1.
Variant type: single nucleotide variant.
Coding change: c.3657C>T on transcript NM_000069.3 (MANE Select); coding-DNA position 3657, C replaced by T.
Protein change: p.Cys1219=; no amino-acid change (cysteine 1219 retained).
Molecular consequence: synonymous variant.
Genome position (GRCh38, 1-based): chr1:201,054,514, G>A on the plus strand (C>T on the coding strand, the complement: CACNA1S is on the minus strand). VCF-style: chr1-201054514-G-A. GRCh37 (hg19) VCF-style: chr1-201023642-G-A.
Other names: p.Cys1219=.
Identifiers: ClinVar variation 541062 (VCV000541062.57), dbSNP rs376781102, ClinGen allele CA082685.